The following is an entry in ClinVar:

ClinVar aggregate classification (germline): Benign. Review status: reviewed by expert panel (3 of 4 stars). 4 submissions from 4 submitters: Benign (1). 3 of the submissions do not count toward it. Last evaluated 2025-10-03.

Conditions:
Hereditary factor VIII deficiency disease (HEMA). Also called: AUTOSOMAL HEMOPHILIA A; HEM A; Factor 8 deficiency, congenital; Hemophilia A, congenital; HEMOPHILIA, CLASSIC; Hemophilia A. Identifiers: Orphanet 98878, MedGen C0019069, MONDO:0010602, OMIM 306700.
F8-related disorder. Also called: F8-related condition.

Allele frequency attached by ClinVar (database versions not stated): gnomAD exomes 0.00007 and 0.00040; gnomAD 0.00016 and 0.00022; TOPMed 0.00023; ExAC 0.00038; 1000 Genomes Project 30x 0.00166; 1000 Genomes Project 0.00185.
gnomAD v4.1: 122 of 1,209,858 alleles (0.01%); highest among the groups gnomAD compares: East Asian, 0.25%; no homozygotes.

Submissions (4):

ClinGen Coagulation Factor Deficiency Variant Curation Expert Panel, Clingen
Classification: Benign for Hereditary factor VIII deficiency disease. Last evaluated: 2025-10-03. Review status: reviewed by expert panel. Criteria: ClinGen CoagFactor ACMG Specifications F8 V1.0.0. Collection method: curation. Allele origin: germline. Inheritance: X-linked inheritance.
Comment: The c.2383A>G (p.Arg795Gly) variant has a Grpmax frequency of 0.004164 in exomes in v2.1.1 and MAF = 0.004124 in v3.1.2, meeting BA1 (>=0.000333). This variant is classified as benign for Hemophilia A based on the ACMG/AMP criteria applied, as specified by the ClinGen Coagulation Factor Deficiency Variant Curation Expert Panel for F8 (version 1.0.0, released 10/5/2023): BA1.

Women's Health and Genetics/Laboratory Corporation of America, LabCorp
Classification: Uncertain significance. Last evaluated: 2024-11-01. Review status: criteria provided, single submitter. Criteria: LabCorp Variant Classification Summary - May 2015. Collection method: clinical testing. Allele origin: germline. Not counted in ClinVar's aggregate classification.
Comment: Variant summary: F8 c.2383A>G (p.Arg795Gly) results in a non-conservative amino acid change in the encoded protein sequence. Three of five in-silico tools predict a benign effect of the variant on protein function. The variant allele was found at a frequency of 0.0004 in 182993 control chromosomes, predominantly at a frequency of 0.0051 within the East Asian subpopulation in the gnomAD database. This frequency is not significantly higher than estimated for a pathogenic variant in F8 causing Factor VIII Deficiency (Hemophilia A) (0.0004 vs 0.0098), allowing no conclusion about variant significance. c.2383A>G has been reported in the literature in individuals affected with Factor VIII Deficiency (Hemophilia A) (Chen_2020, Li_2020, Chen_2021). These data do not allow any conclusion about variant significance. To our knowledge, no experimental evidence demonstrating an impact on protein function has been reported. This variant is also known as p.Arg776Gly. The following publications have been ascertained in the context of this evaluation (PMID: 20236351, 33706050, 32190902). ClinVar contains an entry for this variant (Variation ID: 368122). Based on the evidence outlined above, the variant was classified as uncertain significance.

Illumina Laboratory Services, Illumina
Classification: Likely benign for Hereditary factor VIII deficiency disease. Last evaluated: 2017-04-27. Review status: criteria provided, single submitter. Criteria: ICSL Variant Classification Criteria 13 December 2019. Collection method: clinical testing. Allele origin: germline. Not counted in ClinVar's aggregate classification.
Comment: This variant was observed as part of a predisposition screen in an ostensibly healthy population. A literature search was performed for the gene, cDNA change, and amino acid change (where applicable). Publications were found based on this search. The evidence from the literature, in combination with allele frequency data from public databases where available, was sufficient to determine this variant is unlikely to cause disease. Therefore, this variant is classified as likely benign.

PreventionGenetics, part of Exact Sciences
Classification: Likely benign for F8-related condition. Last evaluated: 2024-05-02. Review status: no assertion criteria provided. Collection method: clinical testing. Allele origin: germline. Not counted in ClinVar's aggregate classification.
Comment: This variant is classified as likely benign based on ACMG/AMP sequence variant interpretation guidelines (Richards et al. 2015 PMID: 25741868, with internal and published modifications).

Literature cited by the submitters: PubMed 33706050 (cited by Women's Health and Genetics/Laboratory Corporation of America, LabCorp); PubMed 32190902 (cited by Women's Health and Genetics/Laboratory Corporation of America, LabCorp); PubMed 20236351 (cited by Women's Health and Genetics/Laboratory Corporation of America, LabCorp); PubMed 24953131 (cited by Illumina Laboratory Services, Illumina); PubMed 22103590 (cited by Illumina Laboratory Services, Illumina); PubMed 17209060 (cited by Illumina Laboratory Services, Illumina); PubMed 23963097 (cited by Illumina Laboratory Services, Illumina); PubMed 18371163 (cited by Illumina Laboratory Services, Illumina).

NM_000132.4(F8):c.2383A>G (p.Arg795Gly)

Gene: F8 (coagulation factor VIII; minus strand). Cytogenetic location: Xq28.
Variant type: single nucleotide variant.
Coding change: c.2383A>G on transcript NM_000132.4 (MANE Select); coding-DNA position 2383, A replaced by G.
Protein change: p.Arg795Gly; replaces arginine 795 with glycine.
Molecular consequence: missense variant.
Genome position (GRCh38, 1-based): chrX:154,931,407, T>C on the plus strand (A>G on the coding strand, the complement: F8 is on the minus strand). VCF-style: chrX-154931407-T-C. GRCh37 (hg19) VCF-style: chrX-154159682-T-C.
Other names: NM_000132.4(F8):c.2383A>G; short protein forms R795G.
Identifiers: ClinVar variation 368122 (VCV000368122.7), dbSNP rs2228152, ClinGen allele CA10568332.